The following is an entry in ClinVar:

NM_138477.4(CDAN1):c.2712G>T (p.Gln904His)

Gene: CDAN1 (codanin 1; minus strand). Cytogenetic location: 15q15.2.
Variant type: single nucleotide variant.
Coding change: c.2712G>T on transcript NM_138477.4 (MANE Select); coding-DNA position 2712, G replaced by T.
Protein change: p.Gln904His; replaces glutamine 904 with histidine.
Molecular consequence: missense variant.
Genome position (GRCh38, 1-based): chr15:42,728,744, C>A on the plus strand (G>T on the coding strand, the complement: CDAN1 is on the minus strand). VCF-style: chr15-42728744-C-A. GRCh37 (hg19) VCF-style: chr15-43020942-C-A.
Other names: p.Gln904His; c.2712G>T (NM_138477.2); short protein forms Q904H.
Identifiers: ClinVar variation 2139091 (VCV002139091.7), dbSNP rs376721314, ClinGen allele CA7515498.

ClinVar aggregate classification (germline): Uncertain significance. Review status: criteria provided, multiple submitters, no conflicts (2 of 4 stars). 3 submissions from 3 submitters: Uncertain significance (3). Last evaluated 2025-06-17.

Conditions:
Inborn genetic diseases. Identifiers: MedGen C0950123, MeSH D030342.

Allele frequency attached by ClinVar (database versions not stated): ExAC 0.00001; gnomAD 0.00005; TOPMed 0.00005; ESP Exome Variant Server 0.00008.
gnomAD v4.1: 11 of 1,614,104 alleles (0.00068%); highest among the groups gnomAD compares: African/African-American, 0.015%; no homozygotes.

Submissions (3):

Mayo Clinic Laboratories, Mayo Clinic
Classification: Uncertain significance. Last evaluated: 2025-06-17. Review status: criteria provided, single submitter. Criteria: ACMG Guidelines, 2015. Collection method: clinical testing. Allele origin: germline. Observed: 1 variant allele.
Comment: BP4, PM2_supporting

Ambry Genetics
Classification: Uncertain significance for Inborn genetic diseases. Last evaluated: 2023-02-06. Review status: criteria provided, single submitter. Criteria: Ambry Variant Classification Scheme 2023. Collection method: clinical testing. Allele origin: germline.

Labcorp Genetics (formerly Invitae), Labcorp
Classification: Uncertain significance. Last evaluated: 2022-08-04. Review status: criteria provided, single submitter. Criteria: Invitae Variant Classification Sherloc (09022015). Collection method: clinical testing. Allele origin: germline.
Comment: In summary, the available evidence is currently insufficient to determine the role of this variant in disease. Therefore, it has been classified as a Variant of Uncertain Significance. Algorithms developed to predict the effect of missense changes on protein structure and function (SIFT, PolyPhen-2, Align-GVGD) all suggest that this variant is likely to be tolerated. This variant has not been reported in the literature in individuals affected with CDAN1-related conditions. This variant is present in population databases (rs376721314, gnomAD 0.03%). This sequence change replaces glutamine, which is neutral and polar, with histidine, which is basic and polar, at codon 904 of the CDAN1 protein (p.Gln904His).